The following is an entry in ClinVar:

NM_138704.4(NSMCE3):c.37G>A (p.Gly13Ser)

Genes: ENTREP2 (endosomal transmembrane epsin interactor 2; minus strand), NSMCE3 (NSE3 homolog, SMC5-SMC6 complex component; minus strand). Cytogenetic location: 15q13.1.
Variant type: single nucleotide variant.
Coding change: c.37G>A on transcript NM_138704.4 (MANE Select); coding-DNA position 37, G replaced by A.
Protein change: p.Gly13Ser; replaces glycine 13 with serine.
Molecular consequence: missense variant. On other transcripts: intron variant (5).
Genome position (GRCh38, 1-based): chr15:29,269,669, C>T on the plus strand (G>A on the coding strand, the complement: NSMCE3 is on the minus strand). VCF-style: chr15-29269669-C-T. GRCh37 (hg19) VCF-style: chr15-29561873-C-T.
Other names: c.-12-17191G>A (NM_001387217.1, NM_001387215.1, NM_001387216.1); c.277-17191G>A (NM_001387214.1, NM_015307.2); short protein forms G13S.
Identifiers: ClinVar variation 1363725 (VCV001363725.5), dbSNP rs1315729718, ClinGen allele CA391485053.

ClinVar aggregate classification (germline): Uncertain significance (1 of 4 stars; one submission).

Allele frequency attached by ClinVar (database versions not stated): gnomAD exomes below 0.00001; gnomAD 0.00001; TOPMed 0.00003.
gnomAD v4.1: 3 of 1,561,254 alleles (0.00019%); highest among the groups gnomAD compares: African/African-American, 0.0029%; no homozygotes.

Submission:

Labcorp Genetics (formerly Invitae), Labcorp
Classification: Uncertain significance. Last evaluated: 2021-08-20. Review status: criteria provided, single submitter. Criteria: Invitae Variant Classification Sherloc (09022015). Collection method: clinical testing. Allele origin: germline.
Comment: This sequence change replaces glycine with serine at codon 13 of the NSMCE3 protein (p.Gly13Ser). The glycine residue is weakly conserved and there is a small physicochemical difference between glycine and serine. This variant is not present in population databases (ExAC no frequency). This variant has not been reported in the literature in individuals affected with NSMCE3-related conditions. Algorithms developed to predict the effect of missense changes on protein structure and function output the following: SIFT: "Deleterious"; PolyPhen-2: "Benign"; Align-GVGD: "Class C0". The serine amino acid residue is found in multiple mammalian species, which suggests that this missense change does not adversely affect protein function. In summary, the available evidence is currently insufficient to determine the role of this variant in disease. Therefore, it has been classified as a Variant of Uncertain Significance.